The following is an entry in ClinVar:

NM_014874.4(MFN2):c.1808T>C (p.Met603Thr)

Gene: MFN2 (mitofusin 2; plus strand). Cytogenetic location: 1p36.22.
Variant type: single nucleotide variant.
Coding change: c.1808T>C on transcript NM_014874.4 (MANE Select); coding-DNA position 1808, T replaced by C.
Protein change: p.Met603Thr; replaces methionine 603 with threonine.
Molecular consequence: missense variant.
Genome position (GRCh38, 1-based): chr1:12,006,629, T>C. VCF-style: chr1-12006629-T-C. GRCh37 (hg19) VCF-style: chr1-12066686-T-C.
Other names: c.1808T>C, p.Met603Thr (NM_001127660.2); short protein forms M603T.
Identifiers: ClinVar variation 3660470 (VCV003660470.2).

ClinVar aggregate classification (germline): Uncertain significance (1 of 4 stars; one submission).

Conditions:
Charcot-Marie-Tooth disease type 2. Also called: Charcot-Marie-Tooth type 2. Identifiers: Orphanet 64746, MedGen C0270914, MONDO:0018993.

gnomAD v4.1: 1 of 1,614,060 alleles (0.000062%); highest among the groups gnomAD compares: Non-Finnish European, 0.000085%; no homozygotes.

Submission:

Labcorp Genetics (formerly Invitae), Labcorp
Classification: Uncertain significance for Charcot-Marie-Tooth disease type 2. Last evaluated: 2024-07-26. Review status: criteria provided, single submitter. Criteria: Invitae Variant Classification Sherloc (09022015). Collection method: clinical testing. Allele origin: germline.
Comment: This sequence change replaces methionine, which is neutral and non-polar, with threonine, which is neutral and polar, at codon 603 of the MFN2 protein (p.Met603Thr). This variant is not present in population databases (gnomAD no frequency). This variant has not been reported in the literature in individuals affected with MFN2-related conditions. Advanced modeling of protein sequence and biophysical properties (such as structural, functional, and spatial information, amino acid conservation, physicochemical variation, residue mobility, and thermodynamic stability) has been performed at Invitae for this missense variant, however the output from this modeling did not meet the statistical confidence thresholds required to predict the impact of this variant on MFN2 protein function. In summary, the available evidence is currently insufficient to determine the role of this variant in disease. Therefore, it has been classified as a Variant of Uncertain Significance.